The following is an entry in ClinVar:

NM_018897.3(DNAH7):c.6969C>G (p.Ile2323Met)

Gene: DNAH7 (dynein axonemal heavy chain 7; minus strand). Cytogenetic location: 2q32.3.
Variant type: single nucleotide variant.
Coding change: c.6969C>G on transcript NM_018897.3 (MANE Select); coding-DNA position 6969, C replaced by G.
Protein change: p.Ile2323Met; replaces isoleucine 2323 with methionine.
Molecular consequence: missense variant.
Genome position (GRCh38, 1-based): chr2:195,864,686, G>C on the plus strand (C>G on the coding strand, the complement: DNAH7 is on the minus strand). VCF-style: chr2-195864686-G-C. GRCh37 (hg19) VCF-style: chr2-196729410-G-C.
Other names: short protein forms I2323M.
Identifiers: ClinVar variation 3342503 (VCV003342503.1).
Genomic context (GRCh38, chr2:195,864,686, plus strand): 5'-TCCAACCCCTACTAGGAGAGCATGGCTGCGAGGCTGCTTCAGGATCCTGGAAATTCTGCT[G>C]ATGTGCTCTATGGCAAATCGAAACAAGACAAGGTTCATGGGTTTTTTGCTTATATTGTTG-3'
Protein context (NP_061720.2, residues 2313-2333): LVLFRFAIEH[Ile2323Met]SRISRILKQP

ClinVar aggregate classification (germline): Uncertain significance (1 of 4 stars; one submission).

Submission:

GeneDx
Classification: Uncertain significance. Last evaluated: 2022-04-20. Review status: criteria provided, single submitter. Criteria: GeneDx Variant Classification Process June 2021. Collection method: clinical testing. Allele origin: germline. Affected: yes.
Comment: Not observed at significant frequency in large population cohorts (gnomAD); In silico analysis supports that this missense variant does not alter protein structure/function; Has not been previously published as pathogenic or benign to our knowledge; Variants in candidate genes are classified as variants of uncertain significance in accordance with ACMG guidelines (Richards et al., 2015)